The following is an entry in ClinVar:

NM_001510.4(GRID2):c.2896A>G (p.Arg966Gly)

Gene: GRID2 (glutamate ionotropic receptor delta type subunit 2; plus strand). Cytogenetic location: 4q22.2.
Variant type: single nucleotide variant.
Coding change: c.2896A>G on transcript NM_001510.4 (MANE Select); coding-DNA position 2896, A replaced by G.
Protein change: p.Arg966Gly; replaces arginine 966 with glycine.
Molecular consequence: missense variant.
Genome position (GRCh38, 1-based): chr4:93,772,370, A>G. VCF-style: chr4-93772370-A-G. GRCh37 (hg19) VCF-style: chr4-94693521-A-G.
Other names: c.2611A>G, p.Arg871Gly (NM_001286838.1); c.2896A>G (NM_001510.2); short protein forms R871G, R966G.
Identifiers: ClinVar variation 2058283 (VCV002058283.2), dbSNP rs147603759, ClinGen allele CA3012629.

ClinVar aggregate classification (germline): Uncertain significance. Review status: criteria provided, multiple submitters, no conflicts (2 of 4 stars). 2 submissions from 2 submitters: Uncertain significance (2). Last evaluated 2022-10-17.

Conditions:
Inborn genetic diseases. Identifiers: MedGen C0950123, MeSH D030342.

Allele frequency attached by ClinVar (database versions not stated): gnomAD 0.00005; ESP Exome Variant Server 0.00015; TOPMed 0.00006; ExAC 0.00007; gnomAD exomes 0.00014.
gnomAD v4.1: 206 of 1,613,946 alleles (0.013%); highest among the groups gnomAD compares: Non-Finnish European, 0.016%; no homozygotes.

Submissions (2):

Labcorp Genetics (formerly Invitae), Labcorp
Classification: Uncertain significance. Last evaluated: 2022-10-17. Review status: criteria provided, single submitter. Criteria: Invitae Variant Classification Sherloc (09022015). Collection method: clinical testing. Allele origin: germline.
Comment: This sequence change replaces arginine, which is basic and polar, with glycine, which is neutral and non-polar, at codon 966 of the GRID2 protein (p.Arg966Gly). This variant is present in population databases (rs147603759, gnomAD 0.01%). This variant has not been reported in the literature in individuals affected with GRID2-related conditions. Algorithms developed to predict the effect of missense changes on protein structure and function are either unavailable or do not agree on the potential impact of this missense change (SIFT: "Deleterious"; PolyPhen-2: "Possibly Damaging"; Align-GVGD: "Class C0"). In summary, the available evidence is currently insufficient to determine the role of this variant in disease. Therefore, it has been classified as a Variant of Uncertain Significance.

Ambry Genetics
Classification: Uncertain significance for Inborn genetic diseases. Last evaluated: 2022-09-06. Review status: criteria provided, single submitter. Criteria: Ambry Variant Classification Scheme 2023. Collection method: clinical testing. Allele origin: germline.